The following is an entry in ClinVar:

NM_000090.4(COL3A1):c.3697_3701del (p.Glu1233fs)

Gene: COL3A1 (collagen type III alpha 1 chain; plus strand). Cytogenetic location: 2q32.2.
Variant type: Deletion.
Coding change: c.3697_3701del on transcript NM_000090.4 (MANE Select); coding-DNA positions 3697 to 3701, 5 bases deleted (GAGAT; older notation c.3697_3701delGAGAT).
Protein change: p.Glu1233fs; shifts the reading frame from glutamic acid 1233.
Molecular consequence: frameshift variant.
Genome position (GRCh38, 1-based): chr2:189,009,095-189,009,099, GAGAT deleted; deleting any 5 consecutive bases within chr2:189,009,092-189,009,099 gives the same sequence; the c. name uses the placement nearest the transcript's 3' end. VCF-style (leftmost placement, unchanged base first): chr2-189009091-CGATGA-C. GRCh37 (hg19) VCF-style: chr2-189873817-CGATGA-C.
Other names: short protein forms E1233fs.
Identifiers: ClinVar variation 4722425 (VCV004722425.1).

ClinVar aggregate classification (germline): Pathogenic (1 of 4 stars; one submission).

Conditions:
Ehlers-Danlos syndrome, type 4 (EDSVASC). Also called: Ehlers-Danlos syndrome vascular type; Ehlers Danlos syndrome, ecchymotic type; Ehlers Danlos syndrome, arterial type; Ehlers Danlos syndrome, Sack-Barabas type; Ehlers-Danlos Syndrome Type IV. Identifiers: Orphanet 286, MedGen C0268338, MONDO:0017314, OMIM 130050.

Submission:

Labcorp Genetics (formerly Invitae), Labcorp
Classification: Pathogenic for Ehlers-Danlos syndrome, type 4. Last evaluated: 2025-07-01. Review status: criteria provided, single submitter. Criteria: Invitae Variant Classification Sherloc (09022015). Collection method: clinical testing. Allele origin: germline.
Comment: This sequence change creates a premature translational stop signal (p.Glu1233Tyrfs*8) in the COL3A1 gene. It is expected to result in an absent or disrupted protein product. Loss-of-function variants in COL3A1 are known to be pathogenic (PMID: 24922459). This variant is not present in population databases (gnomAD no frequency). This variant has not been reported in the literature in individuals affected with COL3A1-related conditions. For these reasons, this variant has been classified as Pathogenic.

Literature cited by the submitters: PubMed 24922459.